The following is an entry in ClinVar:

NM_001943.5(DSG2):c.1826dup (p.Leu610fs)

Gene: DSG2 (desmoglein 2; plus strand). Cytogenetic location: 18q12.1.
Variant type: Duplication.
Coding change: c.1826dup on transcript NM_001943.5 (MANE Select); coding-DNA position 1826, one base duplicated (G; older notation c.1826dupG).
Protein change: p.Leu610fs; shifts the reading frame from leucine 610.
Molecular consequence: frameshift variant.
Genome position (GRCh38, 1-based): chr18:31,538,925, G duplicated; the last of 3 consecutive G bases (chr18:31,538,923-31,538,925); duplicating any one gives the same sequence. VCF-style (leftmost placement, unchanged base first): chr18-31538922-T-TG. GRCh37 (hg19) VCF-style: chr18-29118885-T-TG.
Other names: c.1826dup (LRG_397t1); c.1826dupG (NM_001943.3); short protein forms L610fs.
Identifiers: ClinVar variation 585217 (VCV000585217.15), dbSNP rs1039633976, ClinGen allele CA297699039.

ClinVar aggregate classification (germline): Pathogenic/Likely pathogenic. Review status: criteria provided, multiple submitters, no conflicts (2 of 4 stars). 5 submissions from 5 submitters: Pathogenic (2); Likely pathogenic (3). Last evaluated 2026-09-30.

Conditions:
Arrhythmogenic right ventricular dysplasia 10. Also called: ARRHYTHMOGENIC RIGHT VENTRICULAR DYSPLASIA, FAMILIAL, 10; Arrhythmogenic right ventricular dysplasia/cardiomyopathy, type 10; Arrhythmogenic Right Ventricular Dysplasia/Cardiomyopathy10. Identifiers: MedGen C1857777, MONDO:0012434, OMIM 610193.
Dilated cardiomyopathy 1BB (CMD1BB). Also called: CARDIOMYOPATHY, DILATED, 1BB, SUSCEPTIBILITY TO. Identifiers: Orphanet 154, MedGen C2752072, MONDO:0013030, OMIM 612877.
Cardiovascular phenotype. Identifiers: MedGen CN230736.

Submissions (5):

GeneDx
Classification: Likely pathogenic. Last evaluated: 2026-09-30. Review status: criteria provided, single submitter. Criteria: GeneDx Variant Classification Process June 2021. Collection method: clinical testing. Allele origin: germline.
Comment: Frameshift variant predicted to result in protein truncation or nonsense mediated decay in a gene for which loss of function is a known mechanism of disease; Not observed at significant frequency in large population cohorts (gnomAD); This variant is associated with the following publications: (PMID: 36264615, 33087929, 36136372, 31447099)

Labcorp Genetics (formerly Invitae), Labcorp
Classification: Pathogenic for Arrhythmogenic right ventricular dysplasia 10. Last evaluated: 2024-10-18. Review status: criteria provided, single submitter. Criteria: Invitae Variant Classification Sherloc (09022015). Collection method: clinical testing. Allele origin: germline.
Comment: This sequence change creates a premature translational stop signal (p.Leu610Profs*50) in the DSG2 gene. It is expected to result in an absent or disrupted protein product. Loss-of-function variants in DSG2 are known to be pathogenic (PMID: 17105751, 31386562). This variant is not present in population databases (gnomAD no frequency). This variant has not been reported in the literature in individuals affected with DSG2-related conditions. ClinVar contains an entry for this variant (Variation ID: 585217). For these reasons, this variant has been classified as Pathogenic.

Ambry Genetics
Classification: Pathogenic for Cardiovascular phenotype. Last evaluated: 2022-06-02. Review status: criteria provided, single submitter. Criteria: Ambry Variant Classification Scheme 2023. Collection method: clinical testing. Allele origin: germline.
Comment: The c.1826dupG pathogenic mutation, located in coding exon 12 of the DSG2 gene, results from a duplication of G at nucleotide position 1826, causing a translational frameshift with a predicted alternate stop codon (p.L610Pfs*50). This variant is considered to be rare based on population cohorts in the Genome Aggregation Database (gnomAD). This alteration is expected to result in loss of function by premature protein truncation or nonsense-mediated mRNA decay. As such, this alteration is interpreted as a disease-causing mutation.

Fulgent Genetics
Classification: Likely pathogenic for Arrhythmogenic right ventricular dysplasia 10; Dilated cardiomyopathy 1BB. Last evaluated: 2021-11-17. Review status: criteria provided, single submitter. Criteria: ACMG Guidelines, 2015. Collection method: clinical testing. Allele origin: unknown.

Human Genome Sequencing Center Clinical Lab, Baylor College of Medicine
Classification: Likely pathogenic for Arrhythmogenic right ventricular dysplasia 10. Last evaluated: 2017-03-07. Review status: criteria provided, single submitter. Criteria: ACMG Guidelines, 2015. Collection method: clinical testing. Allele origin: germline.
Comment: The c.1826dup (p.Leu610Profs*50) variant has not been reported in public databases, nor has been observed in our patient cohort. This 1bp duplication in exon 12 results in a frameshift and the creation of a premature stop codon at amino acid position 660. This variant is thus expected to result in a loss of function of the protein. Frameshift variants and variants affecting the canonical splice sites have been reported in patients with cardiomyopathy, arrhythmogenic right ventricular. This variant is thus classified as likely pathogenic.

Literature cited by the submitters: PubMed 17105751 (cited by Labcorp Genetics (formerly Invitae), Labcorp); PubMed 31386562 (cited by Labcorp Genetics (formerly Invitae), Labcorp); PubMed 31447099 (cited by Ambry Genetics).